The following is an entry in ClinVar:

ClinVar aggregate classification (germline): Uncertain significance (1 of 4 stars; one submission).

Conditions:
Charcot-Marie-Tooth disease axonal type 2V. Also called: CHARCOT-MARIE-TOOTH NEUROPATHY, TYPE 2V; CHARCOT-MARIE-TOOTH DISEASE, AXONAL, AUTOSOMAL DOMINANT, TYPE 2V. Identifiers: Orphanet 447964, MedGen C5569050, MONDO:0014665, OMIM 616491.
Mucopolysaccharidosis, MPS-III-B (MPS3B). Also called: N-ACETYL-ALPHA-D-GLUCOSAMINIDASE DEFICIENCY; NAGLU DEFICIENCY; SANFILIPPO SYNDROME B; MPS III B; MUCOPOLYSACCHARIDOSIS, TYPE IIIB; MPS IIIB (Sanfilippo Syndrome Type B). Identifiers: Orphanet 79270, MedGen C0086648, MONDO:0009656, OMIM 252920.

Allele frequency attached by ClinVar (database versions not stated): gnomAD exomes 0.00003; TOPMed 0.00004; gnomAD 0.00001.
gnomAD v4.1: 49 of 1,612,786 alleles (0.003%); highest among the groups gnomAD compares: Non-Finnish European, 0.0041%; no homozygotes.

Submission:

Labcorp Genetics (formerly Invitae), Labcorp
Classification: Uncertain significance for Charcot-Marie-Tooth disease axonal type 2V; Mucopolysaccharidosis, MPS-III-B. Last evaluated: 2022-08-16. Review status: criteria provided, single submitter. Criteria: Invitae Variant Classification Sherloc (09022015). Collection method: clinical testing. Allele origin: germline.
Comment: This sequence change replaces arginine, which is basic and polar, with histidine, which is basic and polar, at codon 557 of the NAGLU protein (p.Arg557His). This variant is present in population databases (no rsID available, gnomAD 0.004%). This variant has not been reported in the literature in individuals affected with NAGLU-related conditions. Advanced modeling of protein sequence and biophysical properties (such as structural, functional, and spatial information, amino acid conservation, physicochemical variation, residue mobility, and thermodynamic stability) performed at Invitae indicates that this missense variant is expected to disrupt NAGLU protein function. In summary, the available evidence is currently insufficient to determine the role of this variant in disease. Therefore, it has been classified as a Variant of Uncertain Significance.

NM_000263.4(NAGLU):c.1670G>A (p.Arg557His)

Gene: NAGLU (N-acetyl-alpha-glucosaminidase; plus strand). Cytogenetic location: 17q21.2.
Variant type: single nucleotide variant.
Coding change: c.1670G>A on transcript NM_000263.4 (MANE Select); coding-DNA position 1670, G replaced by A.
Protein change: p.Arg557His; replaces arginine 557 with histidine.
Molecular consequence: missense variant.
Genome position (GRCh38, 1-based): chr17:42,543,676, G>A. VCF-style: chr17-42543676-G-A. GRCh37 (hg19) VCF-style: chr17-40695694-G-A.
Other names: short protein forms R557H.
Identifiers: ClinVar variation 2149838 (VCV002149838.1), dbSNP rs774472259, ClinGen allele CA290780929.